The following is an entry in ClinVar:

ClinVar aggregate classification (germline): Pathogenic. Review status: reviewed by expert panel (3 of 4 stars). 3 submissions from 3 submitters: Pathogenic (1). 2 of the submissions do not count toward it. Last evaluated 2016-09-08.

Conditions:
Breast-ovarian cancer, familial, susceptibility to, 1 (BROVCA1). Also called: BRCA1 Hereditary Breast and Ovarian Cancer; OVARIAN CANCER, SUSCEPTIBILITY TO. Identifiers: Orphanet 145, MedGen C2676676, MONDO:0011450, OMIM 604370. Disease mechanism: loss of function.
Hereditary cancer-predisposing syndrome. Also called: Hereditary Cancer Syndrome; Neoplastic Syndromes, Hereditary; Hereditary neoplastic syndrome; Tumor predisposition. Identifiers: Orphanet 140162, MedGen C0027672, MeSH D009386, MONDO:0015356.

Submissions (3):

Evidence-based Network for the Interpretation of Germline Mutant Alleles (ENIGMA)
Classification: Pathogenic for Breast-ovarian cancer, familial, susceptibility to, 1. Last evaluated: 2016-09-08. Review status: reviewed by expert panel. Criteria: ENIGMA BRCA1/2 Classification Criteria (2015). Collection method: curation. Allele origin: germline.
Comment: Variant allele predicted to encode a truncated non-functional protein.

Ambry Genetics
Classification: Pathogenic for Hereditary cancer-predisposing syndrome. Last evaluated: 2017-01-20. Review status: criteria provided, single submitter. Criteria: Ambry Variant Classification Scheme 2023. Collection method: clinical testing. Allele origin: germline. Not counted in ClinVar's aggregate classification.
Comment: The c.936delC pathogenic mutation, located in coding exon 9 of the BRCA1 gene, results from a deletion of one nucleotide at position 936, causing a translational frameshift with a predicted alternate stop codon (p.L313*). This alteration is expected to result in loss of function by premature protein truncation or nonsense-mediated mRNA decay. As such, this alteration is interpreted as a disease-causing mutation.

Sharing Clinical Reports Project (SCRP)
Classification: Pathogenic for Breast-ovarian cancer, familial 1. Last evaluated: 2009-01-13. Review status: no assertion criteria provided. Collection method: clinical testing. Allele origin: germline. Not counted in ClinVar's aggregate classification.

NM_007294.4(BRCA1):c.936del (p.Gly312_Leu313insTer)

Gene: BRCA1 (BRCA1 DNA repair associated; minus strand). Cytogenetic location: 17q21.31.
Variant type: Deletion.
Coding change: c.936del on transcript NM_007294.4 (MANE Select); coding-DNA position 936, one base deleted (C; older notation c.936delC).
Protein change: p.Gly312_Leu313insTer.
Molecular consequence: frameshift variant. On other transcripts: intron variant (137).
Genome position (GRCh38, 1-based): chr17:43,094,595, G deleted on the plus strand (C on the coding strand, the reverse complement: BRCA1 is on the minus strand). VCF-style (leftmost placement, unchanged base first): chr17-43094594-AG-A. GRCh37 (hg19) VCF-style: chr17-41246611-AG-A.
Other names: 1055delC; c.523+149del (NM_001408501.1, NM_001408500.1, NM_001408497.1 and 3 more transcripts); c.646+149del (NM_001408455.1, NM_001408466.1, NM_001408452.1 and 11 more transcripts); c.577+149del (NM_001408513.1, NM_001408489.1, NM_001408479.1 and 9 more transcripts); c.520+149del (NM_001408503.1, NM_001408505.1, NM_001408504.1); c.787+149del (NM_001407973.1, NM_001408403.1, NM_001407983.1 and 19 more transcripts); c.404-3563del (NM_001408511.1); c.460+1251del (NM_001408507.1, NM_001408506.1); and 41 more.
Identifiers: ClinVar variation 91669 (VCV000091669.7), dbSNP rs398122709, ClinGen allele CA003975.
Genomic context (GRCh38, chr17:43,094,594, plus strand): 5'-TCCGCCTATCATTACATGTTTCCTTACTTCCAGCCCATCTGTTATGTTGGCTCCTTGCTA[AG>A]CCAGGCTGTTTGCTTTTATTACAGAATTCAGCCTTTTCTACATTCATTCTGTCTTTAGTG-3'